The following is an entry in ClinVar:

ClinVar aggregate classification (germline): Likely pathogenic (1 of 4 stars; one submission).

Submission:

GeneDx
Classification: Likely pathogenic. Last evaluated: 2026-01-12. Review status: criteria provided, single submitter. Criteria: GeneDx Variant Classification Process June 2021. Collection method: clinical testing. Allele origin: germline.
Comment: Not observed at significant frequency in large population cohorts (gnomAD); Missense variants in this gene are a common cause of disease and they are underrepresented in the general population; In silico analysis suggests that this missense variant does not alter protein structure/function; Has not been previously published as pathogenic or benign to our knowledge

NM_001101.5(ACTB):c.892G>A (p.Val298Met)

Gene: ACTB (actin beta; minus strand). Cytogenetic location: 7p22.1.
Variant type: single nucleotide variant.
Coding change: c.892G>A on transcript NM_001101.5 (MANE Select); coding-DNA position 892, G replaced by A.
Protein change: p.Val298Met; replaces valine 298 with methionine.
Molecular consequence: missense variant.
Genome position (GRCh38, 1-based): chr7:5,528,096, C>T on the plus strand (G>A on the coding strand, the complement: ACTB is on the minus strand). VCF-style: chr7-5528096-C-T. GRCh37 (hg19) VCF-style: chr7-5567727-C-T.
Other names: short protein forms V298M.
Identifiers: ClinVar variation 3365363 (VCV003365363.2).